The following is an entry in ClinVar:

NM_130384.3(ATRIP):c.575T>G (p.Leu192Arg)

Genes: ATRIP (ATR interacting protein; plus strand), ATRIP-TREX1 (ATRIP-TREX1 readthrough; plus strand). Cytogenetic location: 3p21.31.
Variant type: single nucleotide variant.
Coding change: c.575T>G on transcript NM_130384.3 (MANE Select); coding-DNA position 575, T replaced by G.
Protein change: p.Leu192Arg; replaces leucine 192 with arginine.
Molecular consequence: missense variant. On other transcripts: non-coding transcript variant (1).
Genome position (GRCh38, 1-based): chr3:48,454,322, T>G. VCF-style: chr3-48454322-T-G. GRCh37 (hg19) VCF-style: chr3-48495722-T-G.
Other names: c.194T>G, p.Leu65Arg (NM_001271022.2); c.296T>G, p.Leu99Arg (NM_001271023.2); c.575T>G, p.Leu192Arg (NM_032166.4); short protein forms L99R, L192R, L65R.
Identifiers: ClinVar variation 5032442 (VCV005032442.1).

ClinVar aggregate classification (germline): Uncertain significance (1 of 4 stars; one submission).

Submission:

Ambry Genetics
Classification: Uncertain significance. Last evaluated: 2026-07-29. Review status: criteria provided, single submitter. Criteria: Ambry Variant Classification Scheme 2023. Collection method: clinical testing. Allele origin: germline.
Comment: The p.L192R variant (also known as c.575T>G), located in coding exon 4 of the ATRIP gene, results from a T to G substitution at nucleotide position 575. The leucine at codon 192 is replaced by arginine, an amino acid with dissimilar properties. This amino acid position is conserved. In addition, this alteration is predicted to be deleterious by in silico analysis. Based on the available evidence, the clinical significance of this variant remains unclear.